The following is an entry in ClinVar:

ClinVar aggregate classification (germline): Uncertain significance (1 of 4 stars; one submission).

Conditions:
Inborn genetic diseases. Identifiers: MedGen C0950123, MeSH D030342.

Submission:

Ambry Genetics
Classification: Uncertain significance for Inborn genetic diseases. Last evaluated: 2026-04-27. Review status: criteria provided, single submitter. Criteria: Ambry Variant Classification Scheme 2023. Collection method: clinical testing. Allele origin: germline.
Comment: The c.374-6_374-5delCT intronic variant, located in intron 4 of the DDX41 gene, results from a deletion of two nucleotides (CT) at positions 374-6 and 374-5 within intron 4 of the DDX41 gene. This nucleotide region is not well conserved in available vertebrate species. In silico splice site analysis for this alteration is inconclusive; however, direct evidence is insufficient at this time (Ambry internal data). Based on the available evidence, the clinical significance of this variant remains unclear.

NM_016222.4(DDX41):c.374-12CT[3]

Gene: DDX41 (DEAD-box helicase 41; minus strand). Cytogenetic location: 5q35.3.
Variant type: Microsatellite.
Coding change: c.374-12CT[3] on transcript NM_016222.4 (MANE Select); three copies in a row of the 2-base unit CT starting at c.374-12; the reference has four copies in a row; one copy, 2 bases deleted.
Molecular consequence: intron variant.
Genome position (GRCh38, 1-based): chr5:177,515,994-177,515,995, AG deleted on the plus strand (CT on the coding strand, the reverse complement: DDX41 is on the minus strand); deleting any 2 consecutive bases within chr5:177,515,994-177,516,002 gives the same sequence; the position shown is the placement nearest the transcript's 3' end. VCF-style (leftmost placement, unchanged base first): chr5-177515993-AAG-A. GRCh37 (hg19) VCF-style: chr5-176942994-AAG-A.
Other names: c.-5-12CT[3] (NM_001321830.2, NM_001321732.2).
Identifiers: ClinVar variation 3838931 (VCV003838931.2).